The following is an entry in ClinVar:

ClinVar aggregate classification (germline): Uncertain significance (1 of 4 stars; one submission).

Allele frequency attached by ClinVar (database versions not stated): TOPMed below 0.00001; gnomAD exomes 0.00002.

Submission:

Institute for Clinical Genetics, University Hospital TU Dresden, University Hospital TU Dresden
Classification: Uncertain significance. Last evaluated: 2023-06-21. Review status: criteria provided, single submitter. Criteria: ACMG Guidelines, 2015. Collection method: clinical testing. Allele origin: maternal.
Comment: PM2_SUP

NM_030650.3(LNPK):c.-98dup

Gene: LNPK (lunapark, ER junction formation factor; minus strand). Cytogenetic location: 2q31.1.
Variant type: Duplication.
Coding change: c.-98dup on transcript NM_030650.3 (MANE Select); 98 bases upstream of the start codon, one base duplicated (T; older notation c.-98dupT).
Molecular consequence: 5 prime UTR variant. On other transcripts: frameshift variant (2).
Genome position (GRCh38, 1-based): chr2:176,002,195, A duplicated on the plus strand (T on the coding strand, the reverse complement: LNPK is on the minus strand). VCF-style (leftmost placement, unchanged base first): chr2-176002194-C-CA. GRCh37 (hg19) VCF-style: chr2-176866922-C-CA.
Other names: c.96dup, p.Gly33fs (NM_001305008.1, NM_001305010.1); c.-98dup (NM_001305009.1); c.-237dup (NM_001305011.2); short protein forms G33fs.
Identifiers: ClinVar variation 2576159 (VCV002576159.1), dbSNP rs1559082784, ClinGen allele CA916716883.